The following is an entry in ClinVar:

NM_001330360.2(POLA1):c.3860G>A (p.Cys1287Tyr)

Gene: POLA1 (DNA polymerase alpha 1, catalytic subunit; plus strand). Cytogenetic location: Xp22.11.
Variant type: single nucleotide variant.
Coding change: c.3860G>A on transcript NM_001330360.2 (MANE Select); coding-DNA position 3860, G replaced by A.
Protein change: p.Cys1287Tyr; replaces cysteine 1287 with tyrosine.
Molecular consequence: missense variant. On other transcripts: non-coding transcript variant (2).
Genome position (GRCh38, 1-based): chrX:24,841,775, G>A. VCF-style: chrX-24841775-G-A. GRCh37 (hg19) VCF-style: chrX-24859892-G-A.
Other names: c.3785G>A, p.Cys1262Tyr (NM_001378303.1); c.3842G>A, p.Cys1281Tyr (NM_016937.4); short protein forms C1262Y, C1281Y, C1287Y.
Identifiers: ClinVar variation 3699656 (VCV003699656.2).

ClinVar aggregate classification (germline): Uncertain significance (1 of 4 stars; one submission).

gnomAD v4.1: 1 of 1,199,863 alleles (0.000083%); highest among the groups gnomAD compares: Admixed American, 0.0022%; no homozygotes.

Submission:

Labcorp Genetics (formerly Invitae), Labcorp
Classification: Uncertain significance. Last evaluated: 2024-06-19. Review status: criteria provided, single submitter. Criteria: Invitae Variant Classification Sherloc (09022015). Collection method: clinical testing. Allele origin: germline.
Comment: This sequence change replaces cysteine, which is neutral and slightly polar, with tyrosine, which is neutral and polar, at codon 1281 of the POLA1 protein (p.Cys1281Tyr). The frequency data for this variant in the population databases is considered unreliable, as metrics indicate poor data quality at this position in the gnomAD database. This variant has not been reported in the literature in individuals affected with POLA1-related conditions. Advanced modeling of protein sequence and biophysical properties (such as structural, functional, and spatial information, amino acid conservation, physicochemical variation, residue mobility, and thermodynamic stability) performed at Invitae indicates that this missense variant is not expected to disrupt POLA1 protein function with a negative predictive value of 80%. In summary, the available evidence is currently insufficient to determine the role of this variant in disease. Therefore, it has been classified as a Variant of Uncertain Significance.